The following is an entry in ClinVar:

NC_000016.9:g.(?_28495317)_(28500717_?)del

Gene: CLN3 (CLN3 lysosomal/endosomal transmembrane protein, battenin; minus strand). Cytogenetic location: 16p11.2.
Variant type: Deletion.
Identifiers: ClinVar variation 2423568 (VCV002423568.4).

ClinVar aggregate classification (germline): Pathogenic (1 of 4 stars; one submission).

Conditions:
Neuronal ceroid lipofuscinosis. Also called: Neuronal Ceroid Lipofuscinoses. Identifiers: Orphanet 216, Orphanet 79263, MedGen C0027877, MONDO:0016295. Disease mechanism: loss of function.

Submission:

Labcorp Genetics (formerly Invitae), Labcorp
Classification: Pathogenic for Neuronal ceroid lipofuscinosis. Last evaluated: 2022-04-28. Review status: criteria provided, single submitter. Criteria: Invitae Variant Classification Sherloc (09022015). Collection method: clinical testing. Allele origin: germline.
Comment: This variant is a gross deletion of the genomic region encompassing exon(s) 4-10 of the CLN3 gene. This deletion is out-of-frame, and is expected to create a premature termination codon and result in an absent or disrupted protein product. Loss-of-function variants in CLN3 are known to be pathogenic (PMID: 9311735, 28542676). This variant has not been reported in the literature in individuals affected with CLN3-related conditions. For these reasons, this variant has been classified as Pathogenic.

Literature cited by the submitters: PubMed 9311735; PubMed 28542676.